The following is an entry in ClinVar:

ClinVar aggregate classification (germline): Benign/Likely benign. Review status: criteria provided, multiple submitters, no conflicts (2 of 4 stars). 7 submissions from 7 submitters: Benign (2); Likely benign (4). 1 of the submissions does not count toward it. Last evaluated 2025-11-17.

Conditions:
TSC1-related disorder. Also called: TSC1-related condition.
Hereditary cancer-predisposing syndrome. Also called: Tumor predisposition; Neoplastic Syndromes, Hereditary; Hereditary Cancer Syndrome; Hereditary neoplastic syndrome. Identifiers: Orphanet 140162, MedGen C0027672, MeSH D009386, MONDO:0015356.
Tuberous sclerosis syndrome (TSC). Also called: Tuberous Sclerosis Complex; Tuberous sclerosis. Identifiers: Orphanet 805, MedGen C0041341, MONDO:0001734.
Tuberous sclerosis 1 (TSC1). Identifiers: Orphanet 805, MedGen C1854465, MONDO:0008612, OMIM 191100.

Allele frequency attached by ClinVar (database versions not stated): gnomAD exomes below 0.00001 and 0.00005; ExAC 0.00001; gnomAD 0.00001.
gnomAD v4.1: 70 of 1,614,036 alleles (0.0043%); highest among the groups gnomAD compares: Non-Finnish European, 0.0058%; no homozygotes.

Submissions (7):

Labcorp Genetics (formerly Invitae), Labcorp
Classification: Likely benign for Tuberous sclerosis 1. Last evaluated: 2025-11-17. Review status: criteria provided, single submitter. Criteria: Invitae Variant Classification Sherloc (09022015). Collection method: clinical testing. Allele origin: germline.

Myriad Genetics, Inc.
Classification: Benign for Tuberous sclerosis 1. Last evaluated: 2025-04-09. Review status: criteria provided, single submitter. Criteria: Myriad Autosomal Dominant, Autosomal Recessive and X-Linked Classification Criteria (2023). Collection method: clinical testing. Allele origin: unknown.
Comment: This variant is considered benign. This variant is a silent/synonymous amino acid change and it is not expected to impact splicing.

All of Us Research Program, National Institutes of Health
Classification: Likely benign for Tuberous sclerosis syndrome. Last evaluated: 2023-12-01. Review status: criteria provided, single submitter. Criteria: ACMG Guidelines, 2015. Collection method: clinical testing. Allele origin: germline. Inheritance: Autosomal dominant inheritance. Observed: 5 variant alleles, 5 heterozygotes.
Comment: This study involves interpretation of variants in research participants for the purpose of population health screening. Participant phenotype was not available at the time of variant classification. Additional details can be found in publication PMID: 35346344, PMCID: PMC8962531

Color Diagnostics, LLC DBA Color Health
Classification: Likely benign for Tuberous sclerosis syndrome. Last evaluated: 2022-08-30. Review status: criteria provided, single submitter. Criteria: ACMG Guidelines, 2015. Collection method: clinical testing. Allele origin: germline.

Genome-Nilou Lab
Classification: Benign for Tuberous sclerosis 1. Last evaluated: 2021-11-07. Review status: criteria provided, single submitter. Criteria: ACMG Guidelines, 2015. Collection method: clinical testing. Allele origin: germline. Affected: no.

Ambry Genetics
Classification: Likely benign for Hereditary cancer-predisposing syndrome. Last evaluated: 2016-10-04. Review status: criteria provided, single submitter. Criteria: Ambry Variant Classification Scheme 2023. Collection method: clinical testing. Allele origin: germline.

PreventionGenetics, part of Exact Sciences
Classification: Likely benign for TSC1-related condition. Last evaluated: 2024-09-17. Review status: no assertion criteria provided. Collection method: clinical testing. Allele origin: germline. Not counted in ClinVar's aggregate classification.
Comment: This variant is classified as likely benign based on ACMG/AMP sequence variant interpretation guidelines (Richards et al. 2015 PMID: 25741868, with internal and published modifications).

NM_000368.5(TSC1):c.1200C>G (p.Leu400=)

Gene: TSC1 (TSC complex subunit 1; minus strand). Cytogenetic location: 9q34.13.
Variant type: single nucleotide variant.
Coding change: c.1200C>G on transcript NM_000368.5 (MANE Select); coding-DNA position 1200, C replaced by G.
Protein change: p.Leu400=; no amino-acid change (leucine 400 retained).
Molecular consequence: synonymous variant.
Genome position (GRCh38, 1-based): chr9:132,910,634, G>C on the plus strand (C>G on the coding strand, the complement: TSC1 is on the minus strand). VCF-style: chr9-132910634-G-C. GRCh37 (hg19) VCF-style: chr9-135786021-G-C.
Other names: c.1197C>G, p.Leu399= (NM_001162426.2); c.1047C>G, p.Leu349= (NM_001162427.2); c.837C>G, p.Leu279= (NM_001362177.2).
Identifiers: ClinVar variation 416646 (VCV000416646.23), dbSNP rs767514820, ClinGen allele CA027264.